The following is an entry in ClinVar:

ClinVar aggregate classification (germline): Uncertain significance (1 of 4 stars; one submission).

Conditions:
Primary ciliary dyskinesia 6. Also called: Primary Ciliary Dyskinesia 6: TXNDC3-Related Primary Ciliary Dyskinesia. Identifiers: Orphanet 244, MedGen C1970506, MONDO:0012571, OMIM 610852.

Submission:

Labcorp Genetics (formerly Invitae), Labcorp
Classification: Uncertain significance for Primary ciliary dyskinesia 6. Last evaluated: 2020-11-13. Review status: criteria provided, single submitter. Criteria: Invitae Variant Classification Sherloc (09022015). Collection method: clinical testing. Allele origin: germline.
Comment: In summary, the available evidence is currently insufficient to determine the role of this variant in disease. Therefore, it has been classified as a Variant of Uncertain Significance. This variant has not been reported in the literature in individuals with NME8-related conditions. A gross deletion of the genomic region encompassing the full coding sequence of the NME8 gene has been identified. The current clinical and genetic evidence is not sufficient to establish whether loss-of-function variants in NME8 cause disease. The boundaries of this event are unknown as they extend beyond the assayed region for this gene and therefore may encompass additional genes.

NC_000007.13:g.(?_37889849)_(37936714_?)del

Gene: NME8 (NME/NM23 family member 8; plus strand). Cytogenetic location: 7p14.1.
Variant type: Deletion.
Identifiers: ClinVar variation 1444642 (VCV001444642.4).